The following is an entry in ClinVar:

ClinVar aggregate classification (germline): Uncertain significance (1 of 4 stars; one submission).

Conditions:
Familial thoracic aortic aneurysm and aortic dissection (TAAD). Also called: Thoracic aortic aneurysms and dissections. Identifiers: Orphanet 91387, MedGen C4707243, MONDO:0019625.

Submission:

Labcorp Genetics (formerly Invitae), Labcorp
Classification: Uncertain significance for Familial thoracic aortic aneurysm and aortic dissection. Last evaluated: 2025-10-13. Review status: criteria provided, single submitter. Criteria: Invitae Variant Classification Sherloc (09022015). Collection method: clinical testing. Allele origin: germline.
Comment: This sequence change replaces valine, which is neutral and non-polar, with methionine, which is neutral and non-polar, at codon 250 of the TGFBR2 protein (p.Val250Met). This variant is not present in population databases (gnomAD no frequency). This variant has not been reported in the literature in individuals affected with TGFBR2-related conditions. ClinVar contains an entry for this variant (Variation ID: 3683711). Invitae Evidence Modeling of protein sequence and biophysical properties (such as structural, functional, and spatial information, amino acid conservation, physicochemical variation, residue mobility, and thermodynamic stability) indicates that this missense variant is expected to disrupt TGFBR2 protein function with a positive predictive value of 95%. In summary, the available evidence is currently insufficient to determine the role of this variant in disease. Therefore, it has been classified as a Variant of Uncertain Significance.

NM_003242.6(TGFBR2):c.748G>A (p.Val250Met)

Gene: TGFBR2 (transforming growth factor beta receptor 2; plus strand). Cytogenetic location: 3p24.1.
Variant type: single nucleotide variant.
Coding change: c.748G>A on transcript NM_003242.6 (MANE Select); coding-DNA position 748, G replaced by A.
Protein change: p.Val250Met; replaces valine 250 with methionine.
Molecular consequence: missense variant. On other transcripts: intron variant (1).
Genome position (GRCh38, 1-based): chr3:30,671,931, G>A. VCF-style: chr3-30671931-G-A. GRCh37 (hg19) VCF-style: chr3-30713423-G-A.
Other names: c.823G>A, p.Val275Met (NM_001024847.3); c.931G>A, p.Val311Met (NM_001407126.1); c.856G>A, p.Val286Met (NM_001407127.1); c.775G>A, p.Val259Met (NM_001407128.1); c.751G>A, p.Val251Met (NM_001407129.1); c.748G>A, p.Val250Met (NM_001407130.1); c.643G>A, p.Val215Met (NM_001407132.1, NM_001407133.1, NM_001407134.1 and 2 more transcripts); c.463G>A, p.Val155Met (NM_001407137.1); and 2 more; short protein forms V155M, V251M, V286M, V259M, V250M, V275M, V311M, V130M.
Identifiers: ClinVar variation 3683711 (VCV003683711.2).